The following is an entry in ClinVar:

ClinVar aggregate classification (germline): Conflicting classifications of pathogenicity. Review status: criteria provided, conflicting classifications (1 of 4 stars). 2 submissions from 2 submitters: Uncertain significance (1); Likely benign (1). Last evaluated 2026-01-06.

Conditions:
Ullrich congenital muscular dystrophy 2 (UCMD2). Identifiers: Orphanet 75840, MedGen C4225314, MONDO:0014654, OMIM 616470.
Bethlem myopathy 2 (BTHLM2). Identifiers: Orphanet 536516, Orphanet 610, MedGen C4225313, MONDO:0034022, OMIM 616471.

Allele frequency attached by ClinVar (database versions not stated): gnomAD 0.00006; ESP Exome Variant Server 0.00008; TOPMed 0.00010; 1000 Genomes Project 0.00020; 1000 Genomes Project 30x 0.00031.
gnomAD v4.1: 49 of 1,614,158 alleles (0.003%); highest among the groups gnomAD compares: African/African-American, 0.013%; no homozygotes.

Submissions (2):

Labcorp Genetics (formerly Invitae), Labcorp
Classification: Likely benign for Bethlem myopathy 2; Ullrich congenital muscular dystrophy 2. Last evaluated: 2026-01-06. Review status: criteria provided, single submitter. Criteria: Invitae Variant Classification Sherloc (09022015). Collection method: clinical testing. Allele origin: germline.

GeneDx
Classification: Uncertain significance. Last evaluated: 2025-02-18. Review status: criteria provided, single submitter. Criteria: GeneDx Variant Classification Process June 2021. Collection method: clinical testing. Allele origin: germline. Affected: yes.
Comment: Has not been previously published as pathogenic or benign to our knowledge; In silico analysis indicates that this missense variant does not alter protein structure/function

NM_004370.6(COL12A1):c.2536G>A (p.Val846Ile)

Gene: COL12A1 (collagen type XII alpha 1 chain; minus strand). Cytogenetic location: 6q13.
Variant type: single nucleotide variant.
Coding change: c.2536G>A on transcript NM_004370.6 (MANE Select); coding-DNA position 2536, G replaced by A.
Protein change: p.Val846Ile; replaces valine 846 with isoleucine.
Molecular consequence: missense variant. On other transcripts: intron variant (1).
Genome position (GRCh38, 1-based): chr6:75,175,212, C>T on the plus strand (G>A on the coding strand, the complement: COL12A1 is on the minus strand). VCF-style: chr6-75175212-C-T. GRCh37 (hg19) VCF-style: chr6-75884928-C-T.
Other names: c.74-22730G>A (NM_080645.3); short protein forms V846I.
Identifiers: ClinVar variation 952109 (VCV000952109.11), dbSNP rs368113790, ClinGen allele CA3893952.